The following is an entry in ClinVar:

ClinVar aggregate classification (germline): Uncertain significance (1 of 4 stars; one submission).

Conditions:
Candidiasis, familial, 9 (CANDF9). Identifiers: Orphanet 1334, MedGen C4225324, MONDO:0014642, OMIM 616445.

Submission:

Labcorp Genetics (formerly Invitae), Labcorp
Classification: Uncertain significance for Candidiasis, familial, 9. Last evaluated: 2023-08-11. Review status: criteria provided, single submitter. Criteria: Invitae Variant Classification Sherloc (09022015). Collection method: clinical testing. Allele origin: germline.
Comment: This sequence change disrupts the translational stop signal of the IL17RC mRNA. It is expected to extend the length of the IL17RC protein by an uncertain number of additional amino acid residues. This variant is not present in population databases (gnomAD no frequency). This variant has not been reported in the literature in individuals affected with IL17RC-related conditions. In summary, the available evidence is currently insufficient to determine the role of this variant in disease. Therefore, it has been classified as a Variant of Uncertain Significance.

NM_153460.4(IL17RC):c.2161T>G (p.Ter721Glu)

Genes: IL17RC (interleukin 17 receptor C; plus strand), LOC129936144 (ATAC-STARR-seq lymphoblastoid silent region 14051; plus strand). Cytogenetic location: 3p25.3.
Variant type: single nucleotide variant.
Coding change: c.2161T>G on transcript NM_153460.4 (MANE Select); coding-DNA position 2161, T replaced by G.
Protein change: p.Ter721Glu.
Molecular consequence: stop lost. On other transcripts: non-coding transcript variant (1).
Genome position (GRCh38, 1-based): chr3:9,933,591, T>G. VCF-style: chr3-9933591-T-G. GRCh37 (hg19) VCF-style: chr3-9975275-T-G.
Other names: c.2122T>G, p.Ter708Glu (NM_001203263.2); c.2071T>G, p.Ter691Glu (NM_001203264.2); c.2065T>G, p.Ter689Glu (NM_001203265.2); c.2083T>G, p.Ter695Glu (NM_001367278.1); c.2002T>G, p.Ter668Glu (NM_001367279.1); c.2077T>G, p.Ter693Glu (NM_001367280.1); c.2026T>G, p.Ter676Glu (NM_001410711.1); c.2116T>G, p.Ter706Glu (NM_032732.6); and 1 more.
Identifiers: ClinVar variation 2751958 (VCV002751958.3), dbSNP rs2470458897, ClinGen allele CA351710150.